The following is an entry in ClinVar:

ClinVar aggregate classification (germline): Uncertain significance (1 of 4 stars; one submission).

Conditions:
Catecholaminergic polymorphic ventricular tachycardia 1. Also called: RYR2-Related Catecholaminergic Polymorphic Ventricular Tachycardia; VENTRICULAR TACHYCARDIA, STRESS-INDUCED POLYMORPHIC 1; VENTRICULAR TACHYCARDIA, CATECHOLAMINERGIC POLYMORPHIC, 1, WITH OR WITHOUT ATRIAL DYSFUNCTION AND/OR DILATED CARDIOMYOPATHY. Identifiers: Orphanet 3286, MedGen C1631597, MONDO:0011484, OMIM 604772.

Allele frequency attached by ClinVar (database versions not stated): ExAC 0.00001.
gnomAD v4.1: 3 of 1,612,340 alleles (0.00019%); highest among the groups gnomAD compares: Non-Finnish European, 0.00025%; no homozygotes.

Submission:

Labcorp Genetics (formerly Invitae), Labcorp
Classification: Uncertain significance for Catecholaminergic polymorphic ventricular tachycardia 1. Last evaluated: 2022-11-08. Review status: criteria provided, single submitter. Criteria: Invitae Variant Classification Sherloc (09022015). Collection method: clinical testing. Allele origin: germline.
Comment: In summary, the available evidence is currently insufficient to determine the role of this variant in disease. Therefore, it has been classified as a Variant of Uncertain Significance. Advanced modeling of protein sequence and biophysical properties (such as structural, functional, and spatial information, amino acid conservation, physicochemical variation, residue mobility, and thermodynamic stability) performed at Invitae indicates that this missense variant is not expected to disrupt RYR2 protein function. This variant has not been reported in the literature in individuals affected with RYR2-related conditions. The frequency data for this variant in the population databases is considered unreliable, as metrics indicate poor data quality at this position in the gnomAD database. This sequence change replaces lysine, which is basic and polar, with asparagine, which is neutral and polar, at codon 4685 of the RYR2 protein (p.Lys4685Asn).

NM_001035.3(RYR2):c.14055G>C (p.Lys4685Asn)

Gene: RYR2 (ryanodine receptor 2; plus strand). Cytogenetic location: 1q43.
Variant type: single nucleotide variant.
Coding change: c.14055G>C on transcript NM_001035.3 (MANE Select); coding-DNA position 14055, G replaced by C.
Protein change: p.Lys4685Asn; replaces lysine 4685 with asparagine.
Molecular consequence: missense variant.
Genome position (GRCh38, 1-based): chr1:237,798,135, G>C. VCF-style: chr1-237798135-G-C. GRCh37 (hg19) VCF-style: chr1-237961435-G-C.
Other names: short protein forms K4685N.
Identifiers: ClinVar variation 2993852 (VCV002993852.3), dbSNP rs765409439, ClinGen allele CA085552.